The following is an entry in ClinVar:

ClinVar aggregate classification (germline): Uncertain significance (1 of 4 stars; one submission).

Submission:

Laboratory for Molecular Medicine, Mass General Brigham Personalized Medicine
Classification: Uncertain significance. Last evaluated: 2015-10-01. Review status: criteria provided, single submitter. Criteria: LMM Criteria. Collection method: clinical testing. Allele origin: germline. Observed: 1 variant allele.
Comment: Variant classified as Uncertain Significance - Favor Pathogenic. The p.Arg9712fs variant in TTN has not been previously reported in individuals with cardiomyopa thy. Data from large population studies is insufficient to assess the frequency of this variant. This variant is predicted to cause a frameshift, which alters t he protein?s amino acid sequence beginning at position 9712 and leads to a prema ture termination codon 9 amino acids downstream. This alteration is then predict ed to lead to a truncated or absent protein. Frameshift and other truncating var iants in TTN are strongly associated with DCM if they are located in the exons e ncoding for the A-band (Herman 2012, Pugh 2014) and/or are located in an exon th at is highly expressed in the heart (Roberts 2015), which is not the case for th e Arg9712fs variant. In summary, the severity of the predicted impact to the pro tein raises some suspicion for a pathogenic role but the clinical significance o f the p.Arg9712fs variant is uncertain.

NM_001267550.2(TTN):c.32866del (p.Arg10956fs)

Gene: TTN (titin; minus strand). Cytogenetic location: 2q31.2.
Variant type: Deletion.
Coding change: c.32866del on transcript NM_001267550.2 (MANE Select); coding-DNA position 32866, one base deleted (A; older notation c.32866delA).
Protein change: p.Arg10956fs; shifts the reading frame from arginine 10956.
Molecular consequence: frameshift variant. On other transcripts: intron variant (3).
Genome position (GRCh38, 1-based): chr2:178,683,232, T deleted on the plus strand (A on the coding strand, the reverse complement: TTN is on the minus strand); the first of 5 consecutive T bases (chr2:178,683,232-178,683,236); deleting any one gives the same sequence. VCF-style (leftmost placement, unchanged base first): chr2-178683231-CT-C. GRCh37 (hg19) VCF-style: chr2-179547958-CT-C.
Other names: c.29134delA (NM_133378.4); c.31915del, p.Arg10639fs (NM_001256850.1); c.29134del, p.Arg9712fs (NM_133378.4); c.13283-40915del (NM_003319.4); c.13859-40915del (NM_133437.4); c.13658-40915del (NM_133432.3); short protein forms R10639fs, R10956fs, R9712fs.
Identifiers: ClinVar variation 229417 (VCV000229417.5), dbSNP rs876658054, ClinGen allele CA10576541.